The following is an entry in ClinVar:

NM_005912.3(MC4R):c.606C>A (p.Phe202Leu)

Gene: MC4R (melanocortin 4 receptor; minus strand). Cytogenetic location: 18q21.32.
Variant type: single nucleotide variant.
Coding change: c.606C>A on transcript NM_005912.3 (MANE Select); coding-DNA position 606, C replaced by A.
Protein change: p.Phe202Leu; replaces phenylalanine 202 with leucine.
Molecular consequence: missense variant.
Genome position (GRCh38, 1-based): chr18:60,371,744, G>T on the plus strand (C>A on the coding strand, the complement: MC4R is on the minus strand). VCF-style: chr18-60371744-G-T. GRCh37 (hg19) VCF-style: chr18-58038977-G-T.
Other names: short protein forms F202L.
Identifiers: ClinVar variation 36484 (VCV000036484.28), dbSNP rs138281308, ClinGen allele CA214142.
Genomic context (GRCh38, chr18:60,371,744, plus strand): 5'-GTGAAGCCTGGCCATCAGGAACATGTGGACATAGAGAGAAGCCATGAGAGCCAGCATGGT[G>T]AAGAACATGGTGATGAGGCAGATGATGACAGCACTACTATCTGAGTAAATGATGAACAAA-3'
Protein context (NP_005903.2, residues 192-212): AVIICLITMF[Phe202Leu]TMLALMASLY

ClinVar aggregate classification (germline): Conflicting classifications of pathogenicity. Review status: criteria provided, conflicting classifications (1 of 4 stars). 9 submissions from 9 submitters: Uncertain significance (1); Benign (3); Likely benign (4). 1 of the submissions does not count toward it. Last evaluated 2025-12-23.

Conditions:
MC4R-related disorder. Also called: MC4R-related condition.
Monogenic diabetes. Identifiers: Orphanet 183625, MedGen C3888631, MONDO:0015967.
Inherited obesity. Also called: Monogenic Obesity. Identifiers: Orphanet 77828, MedGen C4054476, MONDO:0019182, OMIM 601665.
Obesity. Also called: Obesity disorder. Identifiers: Orphanet 71529, MedGen C0028754, MeSH D009765, MONDO:0011122, HP:0001513.

Allele frequency attached by ClinVar (database versions not stated): gnomAD exomes 0.00069 and 0.00025; 1000 Genomes Project 30x 0.00265; ESP Exome Variant Server 0.00269; 1000 Genomes Project 0.00280; TOPMed 0.00332; gnomAD 0.00302 and 0.00282; ExAC 0.00085.

Submissions (9):

Labcorp Genetics (formerly Invitae), Labcorp
Classification: Benign. Last evaluated: 2025-12-23. Review status: criteria provided, single submitter. Criteria: Invitae Variant Classification Sherloc (09022015). Collection method: clinical testing. Allele origin: germline.

Blueprint Genetics
Classification: Likely benign. Last evaluated: 2024-02-08. Review status: criteria provided, single submitter. Criteria: ACMG Guidelines, 2015. Collection method: clinical testing. Allele origin: germline.

Mendelics
Classification: Benign for Inherited obesity. Last evaluated: 2023-08-22. Review status: criteria provided, single submitter. Criteria: Mendelics Assertion Criteria 2019. Collection method: clinical testing. Allele origin: germline.

Personalized Diabetes Medicine Program, University of Maryland School of Medicine
Classification: Likely benign for Monogenic diabetes. Last evaluated: 2018-12-07. Review status: criteria provided, single submitter. Criteria: ACMG Guidelines, 2015. Collection method: research. Allele origin: unknown. Observed: 3 variant alleles, 3 heterozygotes.
Comment: ACMG criteria: BP4 (REVEL 0.120 + 8 predictors; not using PP3 predictors) + BS2 (29 cases + 27 controls in T2Dgenes): likely benign

Genetic Services Laboratory, University of Chicago
Classification: Likely benign. Last evaluated: 2018-02-08. Review status: criteria provided, single submitter. Criteria: ACMG Guidelines, 2015. Collection method: clinical testing. Allele origin: germline. Affected: no.

Illumina Laboratory Services, Illumina
Classification: Benign for Inherited obesity. Last evaluated: 2017-04-28. Review status: criteria provided, single submitter. Criteria: ICSL Variant Classification Criteria 13 December 2019. Collection method: clinical testing. Allele origin: germline.
Comment: This variant was observed as part of a predisposition screen in an ostensibly healthy population. A literature search was performed for the gene, cDNA change, and amino acid change (where applicable). Publications were found based on this search. The evidence from the literature, in combination with allele frequency data from public databases where available, was sufficient to rule this variant out of causing disease. Therefore, this variant is classified as benign.

GeneDx
Classification: Likely benign. Last evaluated: 2017-02-07. Review status: criteria provided, single submitter. Criteria: GeneDx Variant Classification (06012015). Collection method: clinical testing. Allele origin: germline. Affected: yes.
Comment: This variant is considered likely benign or benign based on one or more of the following criteria: it is a conservative change, it occurs at a poorly conserved position in the protein, it is predicted to be benign by multiple in silico algorithms, and/or has population frequency not consistent with disease.

Women's Health and Genetics/Laboratory Corporation of America, LabCorp
Classification: Uncertain significance for Early Onset Obesity. Last evaluated: 2011-08-18. Review status: criteria provided, single submitter. Criteria: LabCorp Variant Classification Summary - May 2015. Collection method: clinical testing. Allele origin: germline. Inheritance: autosomal dominant.
ClinVar note: Converted during submission from uncertain to Uncertain significance.

PreventionGenetics, part of Exact Sciences
Classification: Benign for MC4R-related condition. Last evaluated: 2021-10-19. Review status: no assertion criteria provided. Collection method: clinical testing. Allele origin: germline. Not counted in ClinVar's aggregate classification.
Comment: This variant is classified as benign based on ACMG/AMP sequence variant interpretation guidelines (Richards et al. 2015 PMID: 25741868, with internal and published modifications).

Literature cited by the submitters: PubMed 23505181 (cited by Illumina Laboratory Services, Illumina); PubMed 19091795 (cited by Illumina Laboratory Services, Illumina); PubMed 18559663 (cited by Illumina Laboratory Services, Illumina and Women's Health and Genetics/Laboratory Corporation of America, LabCorp); PubMed 25332687 (cited by Illumina Laboratory Services, Illumina); PubMed 12364415 (cited by Illumina Laboratory Services, Illumina and Women's Health and Genetics/Laboratory Corporation of America, LabCorp); PubMed 20462274 (cited by Women's Health and Genetics/Laboratory Corporation of America, LabCorp); PubMed 17306938 (cited by Women's Health and Genetics/Laboratory Corporation of America, LabCorp); PubMed 17628007 (cited by Women's Health and Genetics/Laboratory Corporation of America, LabCorp); PubMed 16274851 (cited by Women's Health and Genetics/Laboratory Corporation of America, LabCorp); PubMed 19179454 (cited by Women's Health and Genetics/Laboratory Corporation of America, LabCorp); PubMed 12970296 (cited by Women's Health and Genetics/Laboratory Corporation of America, LabCorp); PubMed 12646665 (cited by Women's Health and Genetics/Laboratory Corporation of America, LabCorp); PubMed 16614075 (cited by Women's Health and Genetics/Laboratory Corporation of America, LabCorp); PubMed 12364414 (cited by Women's Health and Genetics/Laboratory Corporation of America, LabCorp); PubMed 16030156 (cited by Women's Health and Genetics/Laboratory Corporation of America, LabCorp).